The following is an entry in ClinVar:

ClinVar aggregate classification (germline): Conflicting classifications of pathogenicity. Review status: criteria provided, conflicting classifications (1 of 4 stars). 6 submissions from 6 submitters: Uncertain significance (5); Likely benign (1). Last evaluated 2026-08-24.

Conditions:
MYO7A-related disorder. Also called: MYO7A-related disorders.
Usher syndrome type 1 (USH1). Also called: RETINITIS PIGMENTOSA AND CONGENITAL DEAFNESS. Identifiers: Orphanet 231169, Orphanet 886, MedGen C1568247, MONDO:0010168, OMIM 276900.

Allele frequency attached by ClinVar (database versions not stated): gnomAD exomes 0.00004 and 0.00007; ExAC 0.00006; 1000 Genomes Project 30x 0.00016; ESP Exome Variant Server 0.00016; TOPMed 0.00017; gnomAD 0.00018 and 0.00019; 1000 Genomes Project 0.00020.
gnomAD v4.1: 87 of 1,612,662 alleles (0.0054%); highest among the groups gnomAD compares: Middle Eastern, 0.12%; no homozygotes.

Submissions (6):

PreventionGenetics, part of Exact Sciences
Classification: Uncertain significance for MYO7A-related condition. Last evaluated: 2026-08-24. Review status: criteria provided, single submitter. Criteria: ACMG Guidelines, 2015. Collection method: clinical testing. Allele origin: germline.
Comment: The MYO7A c.970G>T variant is predicted to result in the amino acid substitution p.Ala324Ser. To our knowledge, this variant has not been reported in the literature. This variant is reported in 0.066% of alleles in individuals of African descent in gnomAD. Although we suspect that this variant may be benign, at this time, the clinical significance of this variant is uncertain due to the absence of conclusive functional and genetic evidence.

Women's Health and Genetics/Laboratory Corporation of America, LabCorp
Classification: Uncertain significance. Last evaluated: 2026-03-11. Review status: criteria provided, single submitter. Criteria: LabCorp Variant Classification Summary - May 2015. Collection method: clinical testing. Allele origin: germline.
Comment: Variant summary: MYO7A c.970G>T (p.Ala324Ser) results in a conservative amino acid change in the encoded protein sequence. Algorithms developed to predict the effect of missense changes on protein structure and function are either unavailable or do not agree on the potential impact of this missense change. The variant allele was found at a frequency of 7.3e-05 in 248070 control chromosomes (gnomAD). This frequency is not significantly higher than estimated for disease-causing variants in MYO7A, allowing no conclusion about variant significance. c.970G>T has been observed in one individual affected with hearing loss (Kothiyal_2010). The report does not provide unequivocal conclusions about association of the variant with Usher Syndrome. To our knowledge, no experimental evidence demonstrating an impact on protein function has been reported. The following publication have been ascertained in the context of this evaluation (PMID: 20146813). ClinVar contains an entry for this variant (Variation ID: 968170). Based on the evidence outlined above, the variant was classified as uncertain significance.

Labcorp Genetics (formerly Invitae), Labcorp
Classification: Likely benign. Last evaluated: 2026-01-17. Review status: criteria provided, single submitter. Criteria: Invitae Variant Classification Sherloc (09022015). Collection method: clinical testing. Allele origin: germline.

Blueprint Genetics
Classification: Uncertain significance. Last evaluated: 2024-10-02. Review status: criteria provided, single submitter. Criteria: ACMG Guidelines, 2015. Collection method: clinical testing. Allele origin: germline.

Genomic Medicine Center of Excellence, King Faisal Specialist Hospital and Research Centre
Classification: Uncertain significance for Usher syndrome type 1. Last evaluated: 2024-03-25. Review status: criteria provided, single submitter. Criteria: ACMG Guidelines, 2015. Collection method: research. Allele origin: germline.

GeneDx
Classification: Uncertain significance. Last evaluated: 2020-01-15. Review status: criteria provided, single submitter. Criteria: GeneDx Variant Classification Process June 2021. Collection method: clinical testing. Allele origin: germline. Affected: yes.
Comment: In silico analysis, which includes protein predictors and evolutionary conservation, supports that this variant does not alter protein structure/function; Has not been previously published as pathogenic or benign to our knowledge

Literature cited by the submitters: PubMed 20146813 (cited by Women's Health and Genetics/Laboratory Corporation of America, LabCorp).

NM_000260.4(MYO7A):c.970G>T (p.Ala324Ser)

Gene: MYO7A (myosin VIIA; plus strand). Cytogenetic location: 11q13.5.
Variant type: single nucleotide variant.
Coding change: c.970G>T on transcript NM_000260.4 (MANE Select); coding-DNA position 970, G replaced by T.
Protein change: p.Ala324Ser; replaces alanine 324 with serine.
Molecular consequence: missense variant.
Genome position (GRCh38, 1-based): chr11:77,158,397, G>T. VCF-style: chr11-77158397-G-T. GRCh37 (hg19) VCF-style: chr11-76869443-G-T.
Other names: c.970G>T, p.Ala324Ser (NM_001127180.2); c.937G>T, p.Ala313Ser (NM_001369365.1); short protein forms A313S, A324S.
Identifiers: ClinVar variation 968170 (VCV000968170.18), dbSNP rs376348438, ClinGen allele CA6197312.